The following is an entry in ClinVar:

NM_000784.4(CYP27A1):c.1371C>T (p.Thr457=)

Gene: CYP27A1 (cytochrome P450 family 27 subfamily A member 1; plus strand). Cytogenetic location: 2q35.
Variant type: single nucleotide variant.
Coding change: c.1371C>T on transcript NM_000784.4 (MANE Select); coding-DNA position 1371, C replaced by T.
Protein change: p.Thr457=; no amino-acid change (threonine 457 retained).
Molecular consequence: synonymous variant.
Genome position (GRCh38, 1-based): chr2:218,814,652, C>T. VCF-style: chr2-218814652-C-T. GRCh37 (hg19) VCF-style: chr2-219679375-C-T.
Other names: c.1371C>T (NM_000784.3).
Identifiers: ClinVar variation 595379 (VCV000595379.14), dbSNP rs1177463640, ClinGen allele CA431414481.

ClinVar aggregate classification (germline): Conflicting classifications of pathogenicity. Review status: criteria provided, conflicting classifications (1 of 4 stars). 4 submissions from 4 submitters: Uncertain significance (1); Likely benign (2). 1 of the submissions does not count toward it. Last evaluated 2026-07-01.

Conditions:
Cholestanol storage disease (CTX). Also called: Cerebrotendinous Xanthomatosis; CTX: Cerebrotendinous xanthomatosis; CEREBRAL CHOLESTERINOSIS. Identifiers: Orphanet 909, MedGen C0238052, MONDO:0008948, OMIM 213700.
CYP27A1-related disorder. Also called: CYP27A1-related condition.
Cardiovascular phenotype. Identifiers: MedGen CN230736.

Allele frequency attached by ClinVar (database versions not stated): gnomAD exomes below 0.00001; TOPMed below 0.00001.
gnomAD v4.1: 5 of 1,614,230 alleles (0.00031%); highest among the groups gnomAD compares: Admixed American, 0.005%; no homozygotes.

Submissions (4):

Ambry Genetics
Classification: Likely benign for Cardiovascular phenotype. Last evaluated: 2026-07-01. Review status: criteria provided, single submitter. Criteria: Ambry Variant Classification Scheme 2023. Collection method: clinical testing. Allele origin: germline.

Labcorp Genetics (formerly Invitae), Labcorp
Classification: Likely benign for Cholestanol storage disease. Last evaluated: 2024-10-25. Review status: criteria provided, single submitter. Criteria: Invitae Variant Classification Sherloc (09022015). Collection method: clinical testing. Allele origin: germline.

Eurofins Ntd Llc (ga)
Classification: Uncertain significance. Last evaluated: 2017-12-13. Review status: criteria provided, single submitter. Criteria: EGL Classification Definitions 2015. Collection method: clinical testing. Allele origin: germline. Observed: 1 variant allele, 1 heterozygote.

PreventionGenetics, part of Exact Sciences
Classification: Likely benign for CYP27A1-related condition. Last evaluated: 2024-03-20. Review status: no assertion criteria provided. Collection method: clinical testing. Allele origin: germline. Not counted in ClinVar's aggregate classification.
Comment: This variant is classified as likely benign based on ACMG/AMP sequence variant interpretation guidelines (Richards et al. 2015 PMID: 25741868, with internal and published modifications).